The following is an entry in ClinVar:

ClinVar aggregate classification (germline): Uncertain significance (1 of 4 stars; one submission).

Conditions:
Mitochondrial hypertrophic cardiomyopathy with lactic acidosis due to MTO1 deficiency. Also called: CARDIOMYOPATHY, INFANTILE HYPERTROPHIC MITOCHONDRIAL, AND LACTIC ACIDOSIS; Combined oxidative phosphorylation deficiency 10. Identifiers: Orphanet 314637, MedGen C4749921, MONDO:0013865, OMIM 614702.

Allele frequency attached by ClinVar (database versions not stated): TOPMed below 0.00001; gnomAD exomes 0.00001 and 0.00002.
gnomAD v4.1: 5 of 1,614,136 alleles (0.00031%); highest among the groups gnomAD compares: Admixed American, 0.0067%; no homozygotes.

Submission:

Labcorp Genetics (formerly Invitae), Labcorp
Classification: Uncertain significance for Mitochondrial hypertrophic cardiomyopathy with lactic acidosis due to MTO1 deficiency. Last evaluated: 2022-04-18. Review status: criteria provided, single submitter. Criteria: Invitae Variant Classification Sherloc (09022015). Collection method: clinical testing. Allele origin: germline.
Comment: This sequence change replaces aspartic acid, which is acidic and polar, with asparagine, which is neutral and polar, at codon 105 of the MTO1 protein (p.Asp105Asn). This variant is present in population databases (no rsID available, gnomAD 0.01%). This variant has not been reported in the literature in individuals affected with MTO1-related conditions. Algorithms developed to predict the effect of missense changes on protein structure and function are either unavailable or do not agree on the potential impact of this missense change (SIFT: "Deleterious"; PolyPhen-2: "Probably Damaging"; Align-GVGD: "Class C0"). In summary, the available evidence is currently insufficient to determine the role of this variant in disease. Therefore, it has been classified as a Variant of Uncertain Significance.

NM_012123.4(MTO1):c.313G>A (p.Asp105Asn)

Gene: MTO1 (mitochondrial tRNA translation optimization 1; plus strand). Cytogenetic location: 6q13.
Variant type: single nucleotide variant.
Coding change: c.313G>A on transcript NM_012123.4 (MANE Select); coding-DNA position 313, G replaced by A.
Protein change: p.Asp105Asn; replaces aspartic acid 105 with asparagine.
Molecular consequence: missense variant.
Genome position (GRCh38, 1-based): chr6:73,466,304, G>A. VCF-style: chr6-73466304-G-A. GRCh37 (hg19) VCF-style: chr6-74176027-G-A.
Other names: c.313G>A, p.Asp105Asn (NM_001123226.2, NM_133645.3); short protein forms D105N.
Identifiers: ClinVar variation 1408209 (VCV001408209.3), dbSNP rs1008930519, ClinGen allele CA140952046.